The following is an entry in ClinVar:

NM_005219.5(DIAPH1):c.3224A>G (p.Asn1075Ser)

Gene: DIAPH1 (diaphanous related formin 1; minus strand). Cytogenetic location: 5q31.3.
Variant type: single nucleotide variant.
Coding change: c.3224A>G on transcript NM_005219.5 (MANE Select); coding-DNA position 3224, A replaced by G.
Protein change: p.Asn1075Ser; replaces asparagine 1075 with serine.
Molecular consequence: missense variant.
Genome position (GRCh38, 1-based): chr5:141,527,622, T>C on the plus strand (A>G on the coding strand, the complement: DIAPH1 is on the minus strand). VCF-style: chr5-141527622-T-C. GRCh37 (hg19) VCF-style: chr5-140907189-T-C.
Other names: c.3197A>G, p.Asn1066Ser (NM_001079812.3); c.3224A>G, p.Asn1075Ser (NM_001314007.2); short protein forms N1075S, N1066S.
Identifiers: ClinVar variation 4786364 (VCV004786364.1).

ClinVar aggregate classification (germline): Uncertain significance (1 of 4 stars; one submission).

Conditions:
Progressive microcephaly-seizures-cortical blindness-developmental delay syndrome. Also called: Seizures, cortical blindness, and microcephaly syndrome. Identifiers: Orphanet 477814, MedGen C5567650, MONDO:0014714, OMIM 616632.
Autosomal dominant nonsyndromic hearing loss 1. Also called: DEAFNESS, AUTOSOMAL DOMINANT 1, WITH OR WITHOUT THROMBOCYTOPENIA; KONIGSMARK SYNDROME. Identifiers: Orphanet 90635, MedGen C1852282, MONDO:0007424, OMIM 124900.

Submission:

Labcorp Genetics (formerly Invitae), Labcorp
Classification: Uncertain significance for Progressive microcephaly-seizures-cortical blindness-developmental delay syndrome; Autosomal dominant nonsyndromic hearing loss 1. Last evaluated: 2025-10-23. Review status: criteria provided, single submitter. Criteria: Invitae Variant Classification Sherloc (09022015). Collection method: clinical testing. Allele origin: germline.
Comment: This sequence change replaces asparagine, which is neutral and polar, with serine, which is neutral and polar, at codon 1075 of the DIAPH1 protein (p.Asn1075Ser). This variant is not present in population databases (gnomAD no frequency). This variant has not been reported in the literature in individuals affected with DIAPH1-related conditions. An algorithm developed to predict the effect of missense changes on protein structure and function (PolyPhen-2) suggests that this variant is likely to be tolerated. In summary, the available evidence is currently insufficient to determine the role of this variant in disease. Therefore, it has been classified as a Variant of Uncertain Significance.